The following is an entry in ClinVar:

NM_000368.5(TSC1):c.2843dup (p.Tyr948Ter)

Gene: TSC1 (TSC complex subunit 1; minus strand). Cytogenetic location: 9q34.13.
Variant type: Duplication.
Coding change: c.2843dup on transcript NM_000368.5 (MANE Select); coding-DNA position 2843, one base duplicated (A; older notation c.2843dupA).
Protein change: p.Tyr948Ter; replaces tyrosine 948 with a stop codon.
Molecular consequence: nonsense. On other transcripts: non-coding transcript variant (5), frameshift variant (1).
Genome position (GRCh38, 1-based): chr9:132,897,316, T duplicated on the plus strand (A on the coding strand, the reverse complement: TSC1 is on the minus strand). VCF-style (leftmost placement, unchanged base first): chr9-132897315-A-AT. GRCh37 (hg19) VCF-style: chr9-135772702-A-AT.
Other names: c.2840dup, p.Tyr947Ter (NM_001162426.2, NM_001406597.1, NM_001406598.1 and 2 more transcripts); c.2690dup, p.Tyr897Ter (NM_001162427.2, NM_001406610.1); c.2480dup, p.Tyr827Ter (NM_001362177.2, NM_001406614.1, NM_001406615.1 and 4 more transcripts); c.2843dup, p.Tyr948Ter (NM_001406592.1, NM_001406593.1, NM_001406594.1 and 2 more transcripts); c.2828dup, p.Tyr943Ter (NM_001406601.1, NM_001406602.1); c.2825dup, p.Tyr942Ter (NM_001406603.1, NM_001406604.1); c.2801dup, p.Tyr934Ter (NM_001406605.1, NM_001406606.1, NM_001406607.1); c.2798dup, p.Tyr933Ter (NM_001406608.1, NM_001406609.1); and 9 more; short protein forms Y630*, Y882*, Y896*, Y897*, Y943*, Y947*, Y597*, Y933*.
Identifiers: ClinVar variation 3462492 (VCV003462492.1).

ClinVar aggregate classification (germline): Pathogenic (1 of 4 stars; one submission).

Conditions:
Hereditary cancer-predisposing syndrome. Also called: Tumor predisposition; Neoplastic Syndromes, Hereditary; Hereditary neoplastic syndrome; Hereditary Cancer Syndrome. Identifiers: Orphanet 140162, MedGen C0027672, MeSH D009386, MONDO:0015356.

Submission:

Ambry Genetics
Classification: Pathogenic for Hereditary cancer-predisposing syndrome. Last evaluated: 2024-10-31. Review status: criteria provided, single submitter. Criteria: Ambry Variant Classification Scheme 2023. Collection method: clinical testing. Allele origin: germline.
Comment: The c.2843dupA pathogenic mutation, located in coding exon 20 of the TSC1 gene, results from a duplication of A at nucleotide position 2843, causing a translational frameshift with a predicted alternate stop codon (p.Y948*). This variant is considered to be rare based on population cohorts in the Genome Aggregation Database (gnomAD). This alteration is expected to result in loss of function by premature protein truncation or nonsense-mediated mRNA decay. As such, this alteration is interpreted as a disease-causing mutation.